The following is an entry in ClinVar:

NM_177559.3(CSNK2A1):c.237dup (p.Arg80fs)

Gene: CSNK2A1 (casein kinase 2 alpha 1; minus strand). Cytogenetic location: 20p13.
Variant type: Duplication.
Coding change: c.237dup on transcript NM_177559.3 (MANE Select); coding-DNA position 237, one base duplicated (G; older notation c.237dupG).
Protein change: p.Arg80fs; shifts the reading frame from arginine 80.
Molecular consequence: frameshift variant. On other transcripts: 5 prime UTR variant (1).
Genome position (GRCh38, 1-based): chr20:499,911, C duplicated on the plus strand (G on the coding strand, the reverse complement: CSNK2A1 is on the minus strand). VCF-style (leftmost placement, unchanged base first): chr20-499910-G-GC. GRCh37 (hg19) VCF-style: chr20-480554-G-GC.
Other names: c.237dup, p.Arg80fs (NM_001362770.2, NM_001362771.2, NM_001895.4); c.-172dup (NM_177560.3); short protein forms R80fs.
Identifiers: ClinVar variation 5043373 (VCV005043373.1).

ClinVar aggregate classification (germline): Pathogenic (1 of 4 stars; one submission).

Conditions:
Okur-Chung neurodevelopmental syndrome (OCNDS). Identifiers: Orphanet 689422, MedGen C4310739, MONDO:0014893, OMIM 617062.

Submission:

Laboratory of Genetics, Department of Medicine, DUTH, Democritus University of Thrace
Classification: Pathogenic for Okur-Chung neurodevelopmental syndrome. Last evaluated: 2026-11-03. Review status: criteria provided, single submitter. Criteria: ACMG Guidelines, 2015. Collection method: curation. Allele origin: de novo. Inheritance: Autosomal dominant inheritance. Affected: yes. Observed: 1 variant allele, 1 heterozygote.
Comment: Under ACMG/AMP criteria, the variant was classified as pathogenic based on very strong loss-of-function evidence (PVS1) and absence from population databases (PM2) (GnomAD v4.1.2), together with de-novo evidence (PM6).